The following is an entry in ClinVar:

NM_017617.5(NOTCH1):c.2636G>A (p.Arg879Gln)

Gene: NOTCH1 (notch receptor 1; minus strand). Cytogenetic location: 9q34.3.
Variant type: single nucleotide variant.
Coding change: c.2636G>A on transcript NM_017617.5 (MANE Select); coding-DNA position 2636, G replaced by A.
Protein change: p.Arg879Gln; replaces arginine 879 with glutamine.
Molecular consequence: missense variant.
Genome position (GRCh38, 1-based): chr9:136,510,757, C>T on the plus strand (G>A on the coding strand, the complement: NOTCH1 is on the minus strand). VCF-style: chr9-136510757-C-T. GRCh37 (hg19) VCF-style: chr9-139405209-C-T.
Other names: p.Arg879Gln; c.2636G>A, p.Arg879Gln (LRG_1122t1); short protein forms R879Q.
Identifiers: ClinVar variation 409039 (VCV000409039.39), dbSNP rs368011392, ClinGen allele CA5341218.

ClinVar aggregate classification (germline): Conflicting classifications of pathogenicity. Review status: criteria provided, conflicting classifications (1 of 4 stars). 9 submissions from 8 submitters: Uncertain significance (6); Benign (1); Likely benign (2). Last evaluated 2026-04-01.

Conditions:
Adams-Oliver syndrome 5 (AOS5). Identifiers: Orphanet 974, MedGen C4014970, MONDO:0014459, OMIM 616028.
Familial thoracic aortic aneurysm and aortic dissection (TAAD). Also called: Thoracic aortic aneurysms and dissections. Identifiers: Orphanet 91387, MedGen C4707243, MONDO:0019625.
Aortic valve disease 1 (AOVD1). Identifiers: MedGen C3887892, MONDO:0024523, OMIM 109730.

Allele frequency attached by ClinVar (database versions not stated): ESP Exome Variant Server 0.00008; TOPMed 0.00008; gnomAD 0.00010 and 0.00011.
gnomAD v4.1: 133 of 1,610,520 alleles (0.0083%); highest among the groups gnomAD compares: East Asian, 0.025%; 1 homozygote.

Submissions (9):

CeGaT Center for Human Genetics Tuebingen
Classification: Likely benign. Last evaluated: 2026-04-01. Review status: criteria provided, single submitter. Criteria: CeGaT Center For Human Genetics Tuebingen Variant Classification Criteria Version 2. Collection method: clinical testing. Allele origin: germline. Affected: yes. Observed: 4 variant alleles.
Comment: NOTCH1: BP4, BS2

Labcorp Genetics (formerly Invitae), Labcorp
Classification: Benign for Adams-Oliver syndrome 5. Last evaluated: 2026-01-06. Review status: criteria provided, single submitter. Criteria: Invitae Variant Classification Sherloc (09022015). Collection method: clinical testing. Allele origin: germline.

Laboratory of Genetics, Children's Clinical University Hospital Latvia
Classification: Likely benign. Last evaluated: 2025-02-16. Review status: criteria provided, single submitter. Criteria: ACMG Guidelines, 2015. Collection method: clinical testing. Allele origin: germline. Affected: yes.

GeneDx
Classification: Uncertain significance. Last evaluated: 2024-12-26. Review status: criteria provided, single submitter. Criteria: GeneDx Variant Classification Process June 2021. Collection method: clinical testing. Allele origin: germline. Affected: yes.
Comment: Reported as a variant of uncertain significance in one individual with aortopathy and as a likely benign variant in one individual with hypoplastic left heart syndrome (PMID: 27611364, 26820064); In silico analysis indicates that this missense variant does not alter protein structure/function; This variant is associated with the following publications: (PMID: 26820064, 30502717, 27611364)

ARUP Laboratories, Molecular Genetics and Genomics, ARUP Laboratories
Classification: Uncertain significance. Last evaluated: 2023-04-26. Review status: criteria provided, single submitter. Criteria: ARUP Molecular Germline Variant Investigation Process 2024. Collection method: clinical testing. Allele origin: germline.
Comment: The NOTCH1 c.2636G>A; p.Arg879Gln variant (rs368011392) is reported in the literature in an individual affected with hypoplastic left heart syndrome (Kerstjens-Frederikse 2016). This variant is reported in ClinVar (Variation ID: 409039) and is found in the general population with an overall allele frequency of 0.0091% (25/274,500 alleles) in the Genome Aggregation Database. Computational analyses are uncertain whether this variant is neutral or deleterious (REVEL: 0.213). Due to limited information, the clinical significance of this variant is uncertain at this time. References: Kerstjens-Frederikse WS et al. Cardiovascular malformations caused by NOTCH1 mutations do not keep left: data on 428 probands with left-sided CHD and their families. Genet Med. 2016 Sep;18(9):914-23. PMID: 26820064.

Mayo Clinic Laboratories, Mayo Clinic
Classification: Uncertain significance. Last evaluated: 2022-10-11. Review status: criteria provided, single submitter. Criteria: ACMG Guidelines, 2015. Collection method: clinical testing. Allele origin: germline. Observed: 6 variant alleles.
Comment: BP4, PP2

Ambry Genetics
Classification: Uncertain significance for Familial thoracic aortic aneurysm and aortic dissection. Last evaluated: 2022-06-03. Review status: criteria provided, single submitter. Criteria: Ambry Variant Classification Scheme 2023. Collection method: clinical testing. Allele origin: germline.
Comment: The p.R879Q variant (also known as c.2636G>A), located in coding exon 17 of the NOTCH1 gene, results from a G to A substitution at nucleotide position 2636. The arginine at codon 879 is replaced by glutamine, an amino acid with highly similar properties. This alteration has been reported in a congenital heart defect cohort (Kerstjens-Frederikse WS et al. Genet Med, 2016 09;18:914-23). This amino acid position is not well conserved in available vertebrate species. In addition, this alteration is predicted to be tolerated by in silico analysis. Since supporting evidence is limited at this time, the clinical significance of this alteration remains unclear.

Genome-Nilou Lab
Classification: Uncertain significance for Adams-Oliver syndrome 5. Last evaluated: 2022-03-15. Review status: criteria provided, single submitter. Criteria: ACMG Guidelines, 2015. Collection method: clinical testing. Allele origin: germline. Affected: no.

Genome-Nilou Lab
Classification: Uncertain significance for Aortic valve disease 1. Last evaluated: 2022-03-15. Review status: criteria provided, single submitter. Criteria: ACMG Guidelines, 2015. Collection method: clinical testing. Allele origin: germline. Affected: no.

Literature cited by the submitters: PubMed 26820064 (cited by Ambry Genetics).